The following is an entry in ClinVar:

ClinVar aggregate classification (germline): Likely benign (1 of 4 stars; one submission).

gnomAD v4.1: 1 of 1,614,090 alleles (0.000062%); highest among the groups gnomAD compares: African/African-American, 0.0013%; no homozygotes.

Submission:

CeGaT Center for Human Genetics Tuebingen
Classification: Likely benign. Last evaluated: 2025-11-01. Review status: criteria provided, single submitter. Criteria: CeGaT Center For Human Genetics Tuebingen Variant Classification Criteria Version 2. Collection method: clinical testing. Allele origin: germline. Affected: yes. Observed: 1 variant allele.
Comment: NSD1: BP4, BP7

NM_022455.5(NSD1):c.2517G>A (p.Leu839=)

Gene: NSD1 (nuclear receptor binding SET domain protein 1; plus strand). Cytogenetic location: 5q35.3.
Variant type: single nucleotide variant.
Coding change: c.2517G>A on transcript NM_022455.5 (MANE Select); coding-DNA position 2517, G replaced by A.
Protein change: p.Leu839=; no amino-acid change (leucine 839 retained).
Molecular consequence: synonymous variant.
Genome position (GRCh38, 1-based): chr5:177,210,916, G>A. VCF-style: chr5-177210916-G-A. GRCh37 (hg19) VCF-style: chr5-176637917-G-A.
Other names: c.1644G>A, p.Leu548= (NM_001365684.2, NM_001409306.1, NM_001409307.1 and 3 more transcripts); c.2517G>A, p.Leu839= (NM_001409301.1, NM_001409302.1, NM_001409303.1); c.2097G>A, p.Leu699= (NM_001409304.1); c.1764G>A, p.Leu588= (NM_001409305.1).
Identifiers: ClinVar variation 4535428 (VCV004535428.6).